The following is an entry in ClinVar:

ClinVar aggregate classification (germline): Uncertain significance (1 of 4 stars; one submission).

Submission:

GeneDx
Classification: Uncertain significance. Last evaluated: 2025-01-25. Review status: criteria provided, single submitter. Criteria: GeneDx Variant Classification Process June 2021. Collection method: clinical testing. Allele origin: germline. Affected: yes.
Comment: Not observed at significant frequency in large population cohorts (gnomAD); In silico analysis supports that this missense variant has a deleterious effect on protein structure/function; Has not been previously published as pathogenic or benign to our knowledge

NM_007327.4(GRIN1):c.1369G>C (p.Gly457Arg)

Gene: GRIN1 (glutamate ionotropic receptor NMDA type subunit 1; plus strand). Cytogenetic location: 9q34.3.
Variant type: single nucleotide variant.
Coding change: c.1369G>C on transcript NM_007327.4 (MANE Select); coding-DNA position 1369, G replaced by C.
Protein change: p.Gly457Arg; replaces glycine 457 with arginine.
Molecular consequence: missense variant.
Genome position (GRCh38, 1-based): chr9:137,161,318, G>C. VCF-style: chr9-137161318-G-C. GRCh37 (hg19) VCF-style: chr9-140055770-G-C.
Other names: c.1369G>C, p.Gly457Arg (NM_000832.7, NM_021569.4); c.1432G>C, p.Gly478Arg (NM_001185090.2, NM_001185091.2); short protein forms G457R, G478R.
Identifiers: ClinVar variation 4071562 (VCV004071562.1).